The following is an entry in ClinVar:

NC_000002.11:g.(?_215593390)_(215674303_?)dup

Genes: BARD1 (BRCA1 associated RING domain 1; minus strand), LOC129935540 (ATAC-STARR-seq lymphoblastoid active region 17070; plus strand), LOC129935541 (ATAC-STARR-seq lymphoblastoid active region 17071; plus strand), LOC129935542 (ATAC-STARR-seq lymphoblastoid active region 17072; plus strand), LOC129935543 (ATAC-STARR-seq lymphoblastoid active region 17073; plus strand). Cytogenetic location: 2q35.
Variant type: Duplication.
Identifiers: ClinVar variation 584246 (VCV000584246.4).

ClinVar aggregate classification (germline): Uncertain significance (1 of 4 stars; one submission).

Conditions:
Familial cancer of breast. Also called: Hereditary breast cancer; hereditary breast carcinoma; BREAST CANCER, FAMILIAL. Identifiers: Orphanet 227535, MedGen C0346153, MONDO:0016419, OMIM 114480. Disease mechanism: loss of function.

Submission:

Labcorp Genetics (formerly Invitae), Labcorp
Classification: Uncertain significance for Hereditary Breast Carcinoma. Last evaluated: 2019-12-14. Review status: criteria provided, single submitter. Criteria: Invitae Variant Classification Sherloc (09022015). Collection method: clinical testing. Allele origin: germline.
Comment: This variant results in a copy number gain of the genomic region encompassing the full coding sequence of the BARD1 gene. The boundaries of this event are unknown as they extend beyond the assayed region for this gene and therefore may encompass additional genes. As the precise location of this event is unknown, it may be in tandem or it may be located elsewhere in the genome. This variant has not been reported in the literature in individuals with BARD1-related conditions. Experimental studies and prediction algorithms are not available or were not evaluated, and the functional significance of this variant is currently unknown. In summary, the available evidence is currently insufficient to determine the role of this variant in disease. Therefore, it has been classified as a Variant of Uncertain Significance.